The following is an entry in ClinVar:

NM_174936.4(PCSK9):c.1863+1G>A

Gene: PCSK9 (proprotein convertase subtilisin/kexin type 9; plus strand). Cytogenetic location: 1p32.3.
Variant type: single nucleotide variant.
Coding change: c.1863+1G>A on transcript NM_174936.4 (MANE Select); the canonical splice donor site of the intron after coding-DNA position 1863, G replaced by A.
Molecular consequence: splice donor variant.
Genome position (GRCh38, 1-based): chr1:55,061,557, G>A. VCF-style: chr1-55061557-G-A. GRCh37 (hg19) VCF-style: chr1-55527230-G-A.
Other names: NC_000001.10:g.55527230G>A; c.1488+1G>A (NM_001407246.1); c.1986+1G>A (NM_001407240.1); c.1866+1G>A (NM_001407242.1); c.1905+1G>A (NM_001407241.1); c.1689+1G>A (NM_001407244.1); c.1362+1G>A (NM_001407247.1); c.1806+1G>A (NM_001407243.1); and 1 more.
Identifiers: ClinVar variation 630170 (VCV000630170.12), dbSNP rs765335983, ClinGen allele CA039190.
Genomic context (GRCh38, chr1:55,061,557, plus strand): 5'-CATGCCCCAGGTCTGGAATGCAAAGTCAAGGAGCATGGAATCCCGGCCCCTCAGGAGCAG[G>A]TGAAGAGGCCCGTGAGGCCGGGTGGGTGGGGTGCTGCGTGTCTCTCCTGCACAGCTTTTC-3'

ClinVar aggregate classification (germline): Uncertain significance. Review status: criteria provided, multiple submitters, no conflicts (2 of 4 stars). 5 submissions from 5 submitters: Uncertain significance (5). Last evaluated 2025-05-27.

Conditions:
Familial hypercholesterolemia. Also called: Familial hypercholesterolaemia; Familial hypercholesterolemias. Identifiers: MedGen C0020445, MONDO:0005439.
Cardiovascular phenotype. Identifiers: MedGen CN230736.
Hypercholesterolemia, autosomal dominant, 3 (FHCL3). Also called: PCSK9-Related Familial Hypercholesterolemia, Autosomal Dominant; Familial Hypercholesterolemia, Autosomal Dominant, 3; Familial hypercholesterolemia 3. Identifiers: MedGen C1863551, MONDO:0011369, OMIM 603776.

Allele frequency attached by ClinVar (database versions not stated): gnomAD exomes 0.00002 and 0.00018; ExAC 0.00004; gnomAD 0.00004; TOPMed 0.00005.
gnomAD v4.1: 264 of 1,593,508 alleles (0.017%); highest among the groups gnomAD compares: Non-Finnish European, 0.022%; no homozygotes.

Submissions (6):

Color Diagnostics, LLC DBA Color Health
Classification: Uncertain significance for Familial hypercholesterolemia. Last evaluated: 2025-05-27. Review status: criteria provided, single submitter. Criteria: ACMG Guidelines, 2015. Collection method: clinical testing. Allele origin: germline.
Comment: This variant causes a G to A nucleotide substitution at the +1 position of intron 11 of the PCSK9 gene. Splice site prediction tools predict that this variant may have a significant impact on RNA splicing, which may lead to a protective effect against familial hypercholesterolemia. To our knowledge, RNA studies have not been reported for this variant. This variant has not been reported in individuals affected with PCSK9-related disorders in the literature. This variant has been reported in multiple healthy individuals over the age of 70 (PMID: 34341098) and identified in 5/241874 chromosomes in the general population by the Genome Aggregation Database (gnomAD). The available evidence is insufficient to determine the role of this variant in disease conclusively. Therefore, this variant is classified as a Variant of Uncertain Significance.

Ambry Genetics
Classification: Uncertain significance for Cardiovascular phenotype. Last evaluated: 2025-03-19. Review status: criteria provided, single submitter. Criteria: Ambry Variant Classification Scheme 2023. Collection method: clinical testing. Allele origin: germline.
Comment: The c.1863+1G>A intronic variant results from a G to A substitution one nucleotide after coding exon 11 of the PCSK9 gene. This variant has been detected in both cases and controls derived from the UK Biobank cohort as well as in unaffected individuals with lower cholesterol than non-carriers; however, clinical details were limited (Lacaze P et al. Open Heart, 2021 Jul;8; Ghouse J et al. Diabetes Care, 2022 Jan;45:251-25; Jurgens SJ et al. Nat Genet, 2022 Mar;54:240-250). This nucleotide position is highly conserved in available vertebrate species. In silico splice site analysis predicts that this alteration will weaken the native splice donor site and will result in the creation or strengthening of a novel splice donor site. This alteration occurs at the 3' terminus of the PCSK9 gene and is not expected to trigger nonsense-mediated mRNA decay. The exact functional effect of this alteration is unknown. In addition, loss of function of PCSK9 has not been established as a mechanism of disease. Based on the available evidence, the clinical significance of this alteration remains unclear.

Blueprint Genetics
Classification: Uncertain significance. Last evaluated: 2024-04-30. Review status: criteria provided, single submitter. Criteria: ACMG Guidelines, 2015. Collection method: clinical testing. Allele origin: germline.

Women's Health and Genetics/Laboratory Corporation of America, LabCorp
Classification: Uncertain significance. Last evaluated: 2023-04-26. Review status: criteria provided, single submitter. Criteria: LabCorp Variant Classification Summary - May 2015. Collection method: clinical testing. Allele origin: germline.
Comment: Variant summary: PCSK9 c.1863+1G>A is located in a canonical splice-site and is predicted to affect mRNA splicing. However, the variant is located downstream of the NMD escape region, therefore the impact of this variant is unknown. Several computational tools predict a significant impact on normal splicing: Three predict the variant abolishes a 5' splicing donor site. However, these predictions have yet to be confirmed by functional studies. The variant allele was found at a frequency of 1.9e-05 in 210468 control chromosomes. The available data on variant occurrences in the general population are insufficient to allow any conclusion about variant significance. c.1863+1G>A has been reported in the literature in UK biobank samples including hypercholesterolaemia patients and controls (Jurgens_2022). This report does not provide unequivocal conclusions about association of the variant with Familial Hypercholesterolemia. To our knowledge, no experimental evidence demonstrating an impact on protein function has been reported. The following publications have been ascertained in the context of this evaluation (PMID: 35177841). Two clinical diagnostic laboratories have submitted clinical-significance assessments for this variant to ClinVar after 2014 without evidence for independent evaluation. All laboratories classified the variant as uncertain significance. Based on the evidence outlined above, the variant was classified as uncertain significance.

Fulgent Genetics
Classification: Uncertain significance for Hypercholesterolemia, autosomal dominant, 3. Last evaluated: 2021-09-22. Review status: criteria provided, single submitter. Criteria: ACMG Guidelines, 2015. Collection method: clinical testing. Allele origin: unknown.

Dr. Peter K. Rogan Lab, Western University
No classification provided (evidence only). Condition: Familial cancer of breast. Review status: no classification provided. Collection method: in vitro. Allele origin: not applicable. Functional consequence: retained intron. Not counted in ClinVar's aggregate classification.

Literature cited by the submitters: PubMed 34341098 (cited by Color Diagnostics, LLC DBA Color Health and Ambry Genetics); PubMed 34758978 (cited by Ambry Genetics); PubMed 35177841 (cited by Ambry Genetics and Women's Health and Genetics/Laboratory Corporation of America, LabCorp).